The following is an entry in ClinVar:

ClinVar aggregate classification (germline): Uncertain significance. Review status: criteria provided, multiple submitters, no conflicts (2 of 4 stars). 3 submissions from 3 submitters: Uncertain significance (3). Last evaluated 2025-08-21.

Conditions:
Fanconi anemia (FA). Also called: Fanconi's anemia. Identifiers: Orphanet 84, MedGen C0015625, MeSH D005199, MONDO:0019391.
Inborn genetic diseases. Identifiers: MedGen C0950123, MeSH D030342.

gnomAD v4.1: 6 of 1,613,802 alleles (0.00037%); highest among the groups gnomAD compares: African/African-American, 0.0013%; no homozygotes.

Submissions (3):

Ambry Genetics
Classification: Uncertain significance for Inborn genetic diseases. Last evaluated: 2025-08-21. Review status: criteria provided, single submitter. Criteria: Ambry Variant Classification Scheme 2023. Collection method: clinical testing. Allele origin: germline.

Labcorp Genetics (formerly Invitae), Labcorp
Classification: Uncertain significance for Fanconi anemia. Last evaluated: 2024-12-24. Review status: criteria provided, single submitter. Criteria: Invitae Variant Classification Sherloc (09022015). Collection method: clinical testing. Allele origin: germline.
Comment: This sequence change replaces valine, which is neutral and non-polar, with leucine, which is neutral and non-polar, at codon 566 of the FANCA protein (p.Val566Leu). This variant is present in population databases (rs768538764, gnomAD 0.0009%). This variant has not been reported in the literature in individuals affected with FANCA-related conditions. Invitae Evidence Modeling of protein sequence and biophysical properties (such as structural, functional, and spatial information, amino acid conservation, physicochemical variation, residue mobility, and thermodynamic stability) indicates that this missense variant is not expected to disrupt FANCA protein function with a negative predictive value of 95%. In summary, the available evidence is currently insufficient to determine the role of this variant in disease. Therefore, it has been classified as a Variant of Uncertain Significance.

Quest Diagnostics Nichols Institute San Juan Capistrano
Classification: Uncertain significance. Last evaluated: 2024-11-08. Review status: criteria provided, single submitter. Criteria: Quest Diagnostics criteria. Collection method: clinical testing. Allele origin: unknown.
Comment: The FANCA c.1696G>C (p.Val566Leu) variant has not been reported in individuals with FANCA-related conditions in the published literature. The frequency of this variant in the general population, 0.000004 (1/251052 chromosomes (Genome Aggregation Database)), is uninformative in the assessment of its pathogenicity. Analysis of this variant using bioinformatics tools for the prediction of the effect of amino acid changes on protein structure and function yielded predictions that this variant is benign. Based on the available information, we are unable to determine the clinical significance of this variant.

NM_000135.4(FANCA):c.1696G>C (p.Val566Leu)

Gene: FANCA (FA complementation group A; minus strand). Cytogenetic location: 16q24.3.
Variant type: single nucleotide variant.
Coding change: c.1696G>C on transcript NM_000135.4 (MANE Select); coding-DNA position 1696, G replaced by C.
Protein change: p.Val566Leu; replaces valine 566 with leucine.
Molecular consequence: missense variant.
Genome position (GRCh38, 1-based): chr16:89,779,888, C>G on the plus strand (G>C on the coding strand, the complement: FANCA is on the minus strand). VCF-style: chr16-89779888-C-G. GRCh37 (hg19) VCF-style: chr16-89846296-C-G.
Other names: c.1696G>C, p.Val566Leu (NM_001286167.3); short protein forms V566L.
Identifiers: ClinVar variation 3572385 (VCV003572385.4).